The following is an entry in ClinVar:

NM_144997.7(FLCN):c.1014G>A (p.Trp338Ter)

Gene: FLCN (folliculin; minus strand). Cytogenetic location: 17p11.2.
Variant type: single nucleotide variant.
Coding change: c.1014G>A on transcript NM_144997.7 (MANE Select); coding-DNA position 1014, G replaced by A.
Protein change: p.Trp338Ter; replaces tryptophan 338 with a stop codon.
Molecular consequence: nonsense.
Genome position (GRCh38, 1-based): chr17:17,219,067, C>T on the plus strand (G>A on the coding strand, the complement: FLCN is on the minus strand). VCF-style: chr17-17219067-C-T. GRCh37 (hg19) VCF-style: chr17-17122381-C-T.
Other names: c.1068G>A, p.Trp356Ter (NM_001353229.2); c.1014G>A, p.Trp338Ter (NM_001353230.2, NM_001353231.2); short protein forms W338*, W356*.
Identifiers: ClinVar variation 3148672 (VCV003148672.1), dbSNP rs2144894415, ClinGen allele CA398532755.

ClinVar aggregate classification (germline): Pathogenic (1 of 4 stars; one submission).

Conditions:
Birt-Hogg-Dube syndrome 1 (BHD1). Also called: FIBROFOLLICULOMAS WITH TRICHODISCOMAS AND ACROCHORDONS. Identifiers: Orphanet 122, MedGen CN375946, MONDO:0800445, OMIM 135150.

Submission:

Myriad Genetics, Inc.
Classification: Pathogenic for Birt-Hogg-Dube syndrome 1. Last evaluated: 2024-01-09. Review status: criteria provided, single submitter. Criteria: Myriad Autosomal Dominant, Autosomal Recessive and X-Linked Classification Criteria (2023). Collection method: clinical testing. Allele origin: unknown.
Comment: This variant is considered pathogenic. This variant creates a termination codon and is predicted to result in premature protein truncation.